The following is an entry in ClinVar:

NM_000271.5(NPC1):c.209A>G (p.Asn70Ser)

Gene: NPC1 (NPC intracellular cholesterol transporter 1; minus strand). Cytogenetic location: 18q11.2.
Variant type: single nucleotide variant.
Coding change: c.209A>G on transcript NM_000271.5 (MANE Select); coding-DNA position 209, A replaced by G.
Protein change: p.Asn70Ser; replaces asparagine 70 with serine.
Molecular consequence: missense variant.
Genome position (GRCh38, 1-based): chr18:23,572,152, T>C on the plus strand (A>G on the coding strand, the complement: NPC1 is on the minus strand). VCF-style: chr18-23572152-T-C. GRCh37 (hg19) VCF-style: chr18-21152116-T-C.
Other names: short protein forms N70S.
Identifiers: ClinVar variation 596173 (VCV000596173.15), dbSNP rs200291759, ClinGen allele CA8913792.

ClinVar aggregate classification (germline): Uncertain significance. Review status: criteria provided, multiple submitters, no conflicts (2 of 4 stars). 5 submissions from 5 submitters: Uncertain significance (4). 1 of the submissions does not count toward it. Last evaluated 2026-01-06.

Conditions:
Niemann-Pick disease, type C1. Also called: NIEMANN-PICK DISEASE, VARIANT TYPE C1; NEUROVISCERAL STORAGE DISEASE WITH VERTICAL SUPRANUCLEAR OPHTHALMOPLEGIA; NIEMANN-PICK DISEASE WITH CHOLESTEROL ESTERIFICATION BLOCK; NIEMANN-PICK DISEASE WITHOUT SPHINGOMYELINASE DEFICIENCY; NIEMANN-PICK DISEASE, CHRONIC NEURONOPATHIC FORM. Identifiers: Orphanet 646, MedGen C3179455, MONDO:0009757, OMIM 257220.

Allele frequency attached by ClinVar (database versions not stated): gnomAD exomes 0.00001 and 0.00003; ExAC 0.00002; TOPMed 0.00002; gnomAD 0.00003 and 0.00001; 1000 Genomes Project 0.00020; 1000 Genomes Project 30x 0.00031.
gnomAD v4.1: 14 of 1,613,350 alleles (0.00087%); highest among the groups gnomAD compares: Admixed American, 0.0067%; no homozygotes.

Submissions (7):

Labcorp Genetics (formerly Invitae), Labcorp
Classification: Uncertain significance for Niemann-Pick disease, type C1. Last evaluated: 2026-01-06. Review status: criteria provided, single submitter. Criteria: Invitae Variant Classification Sherloc (09022015). Collection method: clinical testing. Allele origin: germline.
Comment: This sequence change replaces asparagine, which is neutral and polar, with serine, which is neutral and polar, at codon 70 of the NPC1 protein (p.Asn70Ser). This variant is present in population databases (rs200291759, gnomAD 0.01%). This variant has not been reported in the literature in individuals affected with NPC1-related conditions. ClinVar contains an entry for this variant (Variation ID: 596173). Invitae Evidence Modeling of protein sequence and biophysical properties (such as structural, functional, and spatial information, amino acid conservation, physicochemical variation, residue mobility, and thermodynamic stability) indicates that this missense variant is not expected to disrupt NPC1 protein function with a negative predictive value of 95%. In summary, the available evidence is currently insufficient to determine the role of this variant in disease. Therefore, it has been classified as a Variant of Uncertain Significance.

Revvity Omics, Revvity
Classification: Uncertain significance for Niemann-Pick disease, type C1. Last evaluated: 2022-12-05. Review status: criteria provided, single submitter. Criteria: ACMG Guidelines, 2015. Collection method: clinical testing. Allele origin: germline.

Eurofins Ntd Llc (ga)
Classification: Uncertain significance. Last evaluated: 2018-02-15. Review status: criteria provided, single submitter. Criteria: EGL ClinVar v180209 classification definitions. Collection method: clinical testing. Allele origin: germline. Observed: 1 variant allele, 1 heterozygote.

Breakthrough Genomics
Classification: Uncertain significance. Review status: criteria provided, single submitter. Criteria: ACMG Guidelines, 2015. Collection method: not provided. Allele origin: germline. Inheritance: Autosomal recessive inheritance. Affected: yes.

Natera, Inc.
Classification: Uncertain significance for Niemann-Pick disease type C1. Last evaluated: 2020-01-22. Review status: no assertion criteria provided. Collection method: clinical testing. Allele origin: germline. Not counted in ClinVar's aggregate classification.

Dr. Peter K. Rogan Lab, Western University
No classification provided (evidence only). Condition: Cervical cancer. Review status: no classification provided. Collection method: in vitro. Allele origin: not applicable. Functional consequence: retained intron. Not counted in ClinVar's aggregate classification.

Dr. Peter K. Rogan Lab, Western University
No classification provided (evidence only). Condition: Malignant tumor of esophagus. Review status: no classification provided. Collection method: in vitro. Allele origin: not applicable. Functional consequence: retained intron. Not counted in ClinVar's aggregate classification.